The following is an entry in ClinVar:

ClinVar aggregate classification (germline): Conflicting classifications of pathogenicity. Review status: criteria provided, conflicting classifications (1 of 4 stars). 5 submissions from 5 submitters: Uncertain significance (1); Benign (1); Likely benign (2). 1 of the submissions does not count toward it. Last evaluated 2026-04-01.

Conditions:
Charcot-Marie-Tooth disease, type I (CMT1). Also called: Charcot-Marie-Tooth disease type 1; Charcot-Marie-Tooth, Type 1. Identifiers: Orphanet 65753, MedGen C0751036, MONDO:0019011.
PMP22-related disorder. Also called: PMP22-related disorders; PMP22-related condition.
Inborn genetic diseases. Identifiers: MedGen C0950123, MeSH D030342.

Allele frequency attached by ClinVar (database versions not stated): ExAC 0.00002; gnomAD 0.00004 and 0.00005; gnomAD exomes 0.00004; TOPMed 0.00007; 1000 Genomes Project 30x 0.00016; 1000 Genomes Project 0.00020.
gnomAD v4.1: 52 of 1,613,646 alleles (0.0032%); highest among the groups gnomAD compares: Middle Eastern, 0.05%; no homozygotes.

Submissions (5):

CeGaT Center for Human Genetics Tuebingen
Classification: Uncertain significance. Last evaluated: 2026-04-01. Review status: criteria provided, single submitter. Criteria: CeGaT Center For Human Genetics Tuebingen Variant Classification Criteria Version 2. Collection method: clinical testing. Allele origin: germline. Affected: yes. Observed: 1 variant allele.
Comment: PMP22: PM2

Labcorp Genetics (formerly Invitae), Labcorp
Classification: Likely benign for Charcot-Marie-Tooth disease, type I. Last evaluated: 2025-06-29. Review status: criteria provided, single submitter. Criteria: Invitae Variant Classification Sherloc (09022015). Collection method: clinical testing. Allele origin: germline.

Athena Diagnostics
Classification: Benign. Last evaluated: 2025-03-28. Review status: criteria provided, single submitter. Criteria: Athena Diagnostics Criteria. Collection method: clinical testing. Allele origin: unknown.
Comment: Computational tools yielded predictions that this variant is unlikely to have an effect on normal RNA splicing. This nucleotide position exhibits low evolutionary conservation. This variant has been seen where an alternate explanation for disease was also identified.

Ambry Genetics
Classification: Likely benign for Inborn genetic diseases. Last evaluated: 2019-07-11. Review status: criteria provided, single submitter. Criteria: Ambry Variant Classification Scheme 2023. Collection method: clinical testing. Allele origin: germline.

PreventionGenetics, part of Exact Sciences
Classification: Likely benign for PMP22-related condition. Last evaluated: 2023-03-27. Review status: no assertion criteria provided. Collection method: clinical testing. Allele origin: germline. Not counted in ClinVar's aggregate classification.
Comment: This variant is classified as likely benign based on ACMG/AMP sequence variant interpretation guidelines (Richards et al. 2015 PMID: 25741868, with internal and published modifications).

NM_000304.4(PMP22):c.342G>A (p.Ala114=)

Gene: PMP22 (peripheral myelin protein 22; minus strand). Cytogenetic location: 17p12.
Variant type: single nucleotide variant.
Coding change: c.342G>A on transcript NM_000304.4 (MANE Select); coding-DNA position 342, G replaced by A.
Protein change: p.Ala114=; no amino-acid change (alanine 114 retained).
Molecular consequence: synonymous variant. On other transcripts: non-coding transcript variant (2).
Genome position (GRCh38, 1-based): chr17:15,231,058, C>T on the plus strand (G>A on the coding strand, the complement: PMP22 is on the minus strand). VCF-style: chr17-15231058-C-T. GRCh37 (hg19) VCF-style: chr17-15134375-C-T.
Other names: c.342G>A, p.Ala114= (NM_001281455.2, NM_001281456.2, NM_153321.3 and 1 more transcripts).
Identifiers: ClinVar variation 462779 (VCV000462779.19), dbSNP rs201871607, ClinGen allele CA8403318.
Genomic context (GRCh38, chr17:15,231,058, plus strand): 5'-GAAACCGTAGGAGTAATCCGAGTTGAGATGCCACTCCGGGTGCCTCACCGTGTAGATGGC[C>T]GCAGCACTCATCACGCACAGACCTGGGGAAGGAGAGGGACAAGCTGGGTGACGGAGAGTC-3'
Protein context (NP_000295.1, residues 104-124): ILAGLCVMSA[Ala114=]AIYTVRHPEW